The following is an entry in ClinVar:

NM_006648.4(WNK2):c.3860C>G (p.Thr1287Ser)

Gene: WNK2 (WNK lysine deficient protein kinase 2; plus strand). Cytogenetic location: 9q22.31.
Variant type: single nucleotide variant.
Coding change: c.3860C>G on transcript NM_006648.4 (MANE Select); coding-DNA position 3860, C replaced by G.
Protein change: p.Thr1287Ser; replaces threonine 1287 with serine.
Molecular consequence: missense variant.
Genome position (GRCh38, 1-based): chr9:93,267,909, C>G. VCF-style: chr9-93267909-C-G. GRCh37 (hg19) VCF-style: chr9-96030191-C-G.
Other names: c.3860C>G, p.Thr1287Ser (NM_001282394.3); short protein forms T1287S.
Identifiers: ClinVar variation 5031988 (VCV005031988.1).

ClinVar aggregate classification (germline): Uncertain significance (1 of 4 stars; one submission).

gnomAD v4.1: 1 of 1,612,154 alleles (0.000062%); no homozygotes.

Submission:

Ambry Genetics
Classification: Uncertain significance. Last evaluated: 2026-09-12. Review status: criteria provided, single submitter. Criteria: Ambry Variant Classification Scheme 2023. Collection method: clinical testing. Allele origin: germline.
Comment: The p.T1287S variant (also known as c.3860C>G), located in coding exon 16 of the WNK2 gene, results from a C to G substitution at nucleotide position 3860. The threonine at codon 1287 is replaced by serine, an amino acid with similar properties. This amino acid position is conserved. In addition, this alteration is predicted to be tolerated by in silico analysis. Based on the available evidence, the clinical significance of this variant remains unclear.